The following is an entry in ClinVar:

ClinVar aggregate classification (germline): Conflicting classifications of pathogenicity. Review status: criteria provided, conflicting classifications (1 of 4 stars). 2 submissions from 2 submitters: Uncertain significance (1); Likely benign (1). Last evaluated 2026-03-01.

Conditions:
Inborn genetic diseases. Identifiers: MedGen C0950123, MeSH D030342.

gnomAD v4.1: 12 of 1,208,254 alleles (0.00099%); highest among the groups gnomAD compares: Middle Eastern, 0.023%; no homozygotes.

Submissions (2):

CeGaT Center for Human Genetics Tuebingen
Classification: Likely benign. Last evaluated: 2026-03-01. Review status: criteria provided, single submitter. Criteria: CeGaT Center For Human Genetics Tuebingen Variant Classification Criteria Version 2. Collection method: clinical testing. Allele origin: germline. Affected: yes. Observed: 1 variant allele.
Comment: AFF2: BP4, BS2

Ambry Genetics
Classification: Uncertain significance for Inborn genetic diseases. Last evaluated: 2024-10-16. Review status: criteria provided, single submitter. Criteria: Ambry Variant Classification Scheme 2023. Collection method: clinical testing. Allele origin: germline.

NM_002025.4(AFF2):c.2806C>T (p.Pro936Ser)

Gene: AFF2 (ALF transcription elongation factor 2; plus strand). Cytogenetic location: Xq28.
Variant type: single nucleotide variant.
Coding change: c.2806C>T on transcript NM_002025.4 (MANE Select); coding-DNA position 2806, C replaced by T.
Protein change: p.Pro936Ser; replaces proline 936 with serine.
Molecular consequence: missense variant.
Genome position (GRCh38, 1-based): chrX:148,962,830, C>T. VCF-style: chrX-148962830-C-T. GRCh37 (hg19) VCF-style: chrX-148044360-C-T.
Other names: c.2707C>T, p.Pro903Ser (NM_001169122.2); c.2776C>T, p.Pro926Ser (NM_001169123.2); c.2701C>T, p.Pro901Ser (NM_001169124.2); c.2689C>T, p.Pro897Ser (NM_001169125.2); c.1729C>T, p.Pro577Ser (NM_001170628.1); short protein forms P901S, P903S, P936S, P577S, P897S, P926S.
Identifiers: ClinVar variation 3503801 (VCV003503801.5).
Genomic context (GRCh38, chrX:148,962,830, plus strand): 5'-CCACTTTCCCCACTGCCAGAGGACCCTCCACGCCGCAGAAATGTCAGTGGCAATAATGGT[C>T]CCTTTGGTCAAGACAAAAACATCGCCATGACTGGACAAATCACATCTACCAAACCTAAGA-3'
Protein context (NP_002016.2, residues 926-946): RRRNVSGNNG[Pro936Ser]FGQDKNIAMT